The following is an entry in ClinVar:

NC_000002.12:g.233758933C>T

Genes: UGT1A (UDP glucuronosyltransferase family 1 member A complex locus; plus strand), UGT1A1 (UDP glucuronosyltransferase family 1 member A1; plus strand), UGT1A10 (UDP glucuronosyltransferase family 1 member A10; plus strand), UGT1A3 (UDP glucuronosyltransferase family 1 member A3; plus strand), UGT1A4 (UDP glucuronosyltransferase family 1 member A4; plus strand) and 5 more. Cytogenetic location: 2q37.1.
Variant type: single nucleotide variant.
Molecular consequence: intron variant (on NM_019076.5).
Genome position: GRCh38 VCF-style: chr2-233758933-C-T. GRCh37 (hg19) VCF-style: chr2-234667579-C-T.
Other names: c.856-8101C>T (NM_019076.5, NM_019075.4, NM_021027.3 and 1 more transcripts); c.61-8101C>T (NM_205862.3); c.862-8101C>T (NM_001072.4); c.868-8101C>T (NM_019078.2, NM_007120.3, NM_019093.4).
Identifiers: ClinVar variation 3029105 (VCV003029105.2), dbSNP rs2472882312, ClinGen allele CA2740096504.

ClinVar aggregate classification (germline): Likely benign (0 of 4 stars; one submission).

Conditions:
UGT1A1-related disorder. Also called: UGT1A1-related condition; UGT1A1-related disorders.

Submission:

PreventionGenetics, part of Exact Sciences
Classification: Likely benign for UGT1A1-related condition. Last evaluated: 2021-11-16. Review status: no assertion criteria provided. Collection method: clinical testing. Allele origin: germline.
Comment: This variant is classified as likely benign based on ACMG/AMP sequence variant interpretation guidelines (Richards et al. 2015 PMID: 25741868, with internal and published modifications).